The following is an entry in ClinVar:

ClinVar aggregate classification (germline): Uncertain significance. Review status: criteria provided, single submitter (1 of 4 stars). 2 submissions from 2 submitters: Uncertain significance (1). 1 of the submissions does not count toward it. Last evaluated 2021-08-27.

Conditions:
Severe combined immunodeficiency, autosomal recessive, T cell-negative, B cell-negative, NK cell-positive. Also called: SCID, T CELL-NEGATIVE, B CELL-NEGATIVE, NK CELL-POSITIVE; SCID, AR, T-cell negative, B-cell negative, NK cell-positive; Severe combined immunodeficiency due to complete RAG1/2 deficiency. Identifiers: Orphanet 331206, MedGen C1832322, MONDO:0011086, OMIM 601457.
Combined immunodeficiency with skin granulomas. Identifiers: Orphanet 157949, MedGen C2673536, MONDO:0009306, OMIM 233650.
Histiocytic medullary reticulosis. Also called: SEVERE COMBINED IMMUNODEFICIENCY WITH HYPEREOSINOPHILIA; Omenn syndrome. Identifiers: Orphanet 39041, MedGen C2700553, MONDO:0011338, OMIM 603554.

Allele frequency attached by ClinVar (database versions not stated): gnomAD exomes below 0.00001 and 0.00001; ExAC 0.00001; gnomAD 0.00001; TOPMed 0.00002.
gnomAD v4.1: 11 of 1,614,030 alleles (0.00068%); highest among the groups gnomAD compares: East Asian, 0.011%; 1 homozygote.

Submissions (2):

Labcorp Genetics (formerly Invitae), Labcorp
Classification: Uncertain significance for Combined immunodeficiency with skin granulomas; Severe combined immunodeficiency, autosomal recessive, T cell-negative, B cell-negative, NK cell-positive. Last evaluated: 2021-08-27. Review status: criteria provided, single submitter. Criteria: Invitae Variant Classification Sherloc (09022015). Collection method: clinical testing. Allele origin: germline.
Comment: This sequence change replaces arginine with glutamine at codon 148 of the RAG2 protein (p.Arg148Gln). The arginine residue is moderately conserved and there is a small physicochemical difference between arginine and glutamine. This variant is present in population databases (rs779879427, ExAC 0.001%). This variant has not been reported in the literature in individuals affected with RAG2-related conditions. Algorithms developed to predict the effect of missense changes on protein structure and function are either unavailable or do not agree on the potential impact of this missense change (SIFT: "Tolerated"; PolyPhen-2: "Probably Damaging"; Align-GVGD: "Class C0"). In summary, the available evidence is currently insufficient to determine the role of this variant in disease. Therefore, it has been classified as a Variant of Uncertain Significance.

Natera, Inc.
Classification: Uncertain significance for Omenn syndrome. Last evaluated: 2020-02-06. Review status: no assertion criteria provided. Collection method: clinical testing. Allele origin: germline. Not counted in ClinVar's aggregate classification.

NM_000536.4(RAG2):c.443G>A (p.Arg148Gln)

Gene: RAG2 (recombination activating 2; minus strand). Cytogenetic location: 11p12.
Variant type: single nucleotide variant.
Coding change: c.443G>A on transcript NM_000536.4 (MANE Select); coding-DNA position 443, G replaced by A.
Protein change: p.Arg148Gln; replaces arginine 148 with glutamine.
Molecular consequence: missense variant.
Genome position (GRCh38, 1-based): chr11:36,593,726, C>T on the plus strand (G>A on the coding strand, the complement: RAG2 is on the minus strand). VCF-style: chr11-36593726-C-T. GRCh37 (hg19) VCF-style: chr11-36615276-C-T.
Other names: c.443G>A, p.Arg148Gln (NM_001243785.2, NM_001243786.2); short protein forms R148Q.
Identifiers: ClinVar variation 968500 (VCV000968500.7), dbSNP rs779879427, ClinGen allele CA5950575.